The following is an entry in ClinVar:

NM_000748.3(CHRNB2):c.604G>A (p.Glu202Lys)

Gene: CHRNB2 (cholinergic receptor nicotinic beta 2 subunit; plus strand). Cytogenetic location: 1q21.3.
Variant type: single nucleotide variant.
Coding change: c.604G>A on transcript NM_000748.3 (MANE Select); coding-DNA position 604, G replaced by A.
Protein change: p.Glu202Lys; replaces glutamic acid 202 with lysine.
Molecular consequence: missense variant.
Genome position (GRCh38, 1-based): chr1:154,571,427, G>A. VCF-style: chr1-154571427-G-A. GRCh37 (hg19) VCF-style: chr1-154543903-G-A.
Other names: short protein forms E202K.
Identifiers: ClinVar variation 947189 (VCV000947189.9), dbSNP rs1260932072, ClinGen allele CA342630452.

ClinVar aggregate classification (germline): Uncertain significance (1 of 4 stars; one submission).

Conditions:
Familial sleep-related hypermotor epilepsy. Also called: Autosomal Dominant Sleep-Related Hypermotor (Hyperkinetic) Epilepsy. Identifiers: Orphanet 98784, MedGen C3696898, MONDO:0000030.

Allele frequency attached by ClinVar (database versions not stated): gnomAD 0.00001.

Submission:

Labcorp Genetics (formerly Invitae), Labcorp
Classification: Uncertain significance. Last evaluated: 2020-03-06. Review status: criteria provided, single submitter. Criteria: Invitae Variant Classification Sherloc (09022015). Collection method: clinical testing. Allele origin: germline.
Comment: In summary, the available evidence is currently insufficient to determine the role of this variant in disease. Therefore, it has been classified as a Variant of Uncertain Significance. Algorithms developed to predict the effect of missense changes on protein structure and function are either unavailable or do not agree on the potential impact of this missense change (SIFT: "Tolerated"; PolyPhen-2: "Probably Damaging"; Align-GVGD: "Class C0"). This variant has not been reported in the literature in individuals with CHRNB2-related conditions. This variant is not present in population databases (ExAC no frequency). This sequence change replaces glutamic acid with lysine at codon 202 of the CHRNB2 protein (p.Glu202Lys). The glutamic acid residue is moderately conserved and there is a small physicochemical difference between glutamic acid and lysine.